The following is an entry in ClinVar:

ClinVar aggregate classification (germline): Likely benign. Review status: criteria provided, multiple submitters, no conflicts (2 of 4 stars). 5 submissions from 5 submitters: Likely benign (5). Last evaluated 2026-06-01.

Conditions:
FGFR3-related disorder. Also called: FGFR3-related disorders.

Allele frequency attached by ClinVar (database versions not stated): gnomAD exomes 0.00003; gnomAD 0.00006 and 0.00007; TOPMed 0.00006.
gnomAD v4.1: 44 of 1,573,986 alleles (0.0028%); highest among the groups gnomAD compares: African/African-American, 0.0081%; no homozygotes.

Submissions (5):

CeGaT Center for Human Genetics Tuebingen
Classification: Likely benign. Last evaluated: 2026-06-01. Review status: criteria provided, single submitter. Criteria: CeGaT Center For Human Genetics Tuebingen Variant Classification Criteria Version 2. Collection method: clinical testing. Allele origin: germline. Affected: yes. Observed: 1 variant allele.
Comment: FGFR3: BP4, BP7

PreventionGenetics, part of Exact Sciences
Classification: Likely benign for FGFR3-related condition. Last evaluated: 2026-02-05. Review status: criteria provided, single submitter. Criteria: ACMG Guidelines, 2015. Collection method: clinical testing. Allele origin: germline.
Comment: This variant is classified as likely benign based on ACMG/AMP sequence variant interpretation guidelines (Richards et al. 2015 PMID: 25741868, with internal and published modifications).

Labcorp Genetics (formerly Invitae), Labcorp
Classification: Likely benign. Last evaluated: 2026-01-12. Review status: criteria provided, single submitter. Criteria: Invitae Variant Classification Sherloc (09022015). Collection method: clinical testing. Allele origin: germline.

Women's Health and Genetics/Laboratory Corporation of America, LabCorp
Classification: Likely benign. Last evaluated: 2025-06-19. Review status: criteria provided, single submitter. Criteria: LabCorp Variant Classification Summary - May 2015. Collection method: clinical testing. Allele origin: germline.

Blueprint Genetics
Classification: Likely benign. Last evaluated: 2024-03-23. Review status: criteria provided, single submitter. Criteria: ACMG Guidelines, 2015. Collection method: clinical testing. Allele origin: germline.

NM_000142.5(FGFR3):c.342G>A (p.Thr114=)

Gene: FGFR3 (fibroblast growth factor receptor 3; plus strand). Cytogenetic location: 4p16.3.
Variant type: single nucleotide variant.
Coding change: c.342G>A on transcript NM_000142.5 (MANE Select); coding-DNA position 342, G replaced by A.
Protein change: p.Thr114=; no amino-acid change (threonine 114 retained).
Molecular consequence: synonymous variant. On other transcripts: non-coding transcript variant (1).
Genome position (GRCh38, 1-based): chr4:1,799,486, G>A. VCF-style: chr4-1799486-G-A. GRCh37 (hg19) VCF-style: chr4-1801213-G-A.
Other names: c.342G>A, p.Thr114= (NM_001163213.2, NM_001354809.2, NM_001354810.2 and 1 more transcripts); c.342G>A (NM_000142.4).
Identifiers: ClinVar variation 1679994 (VCV001679994.13), dbSNP rs917254107, ClinGen allele CA91245843.